The following is an entry in ClinVar:

NM_004820.5(CYP7B1):c.98T>C (p.Leu33Pro)

Gene: CYP7B1 (cytochrome P450 family 7 subfamily B member 1; minus strand). Cytogenetic location: 8q12.3.
Variant type: single nucleotide variant.
Coding change: c.98T>C on transcript NM_004820.5 (MANE Select); coding-DNA position 98, T replaced by C.
Protein change: p.Leu33Pro; replaces leucine 33 with proline.
Molecular consequence: missense variant.
Genome position (GRCh38, 1-based): chr8:64,798,490, A>G on the plus strand (T>C on the coding strand, the complement: CYP7B1 is on the minus strand). VCF-style: chr8-64798490-A-G. GRCh37 (hg19) VCF-style: chr8-65711047-A-G.
Other names: c.98T>C, p.Leu33Pro (NM_001324112.2); c.98T>C (NM_004820.3); short protein forms L33P.
Identifiers: ClinVar variation 1994266 (VCV001994266.5), dbSNP rs2536112423, ClinGen allele CA371408174.

ClinVar aggregate classification (germline): Uncertain significance (1 of 4 stars; one submission).

Conditions:
Spastic paraplegia. Identifiers: MedGen C0037772, HP:0001258.
Congenital bile acid synthesis defect 3. Identifiers: Orphanet 79302, MedGen C3151147, MONDO:0013439, OMIM 613812.
Hereditary spastic paraplegia 5A (SPG5A). Also called: SPASTIC PARAPLEGIA 5A, AUTOSOMAL RECESSIVE. Identifiers: Orphanet 100986, MedGen C1849115, MONDO:0010047, OMIM 270800.

Submission:

Labcorp Genetics (formerly Invitae), Labcorp
Classification: Uncertain significance for Spastic paraplegia. Last evaluated: 2022-05-14. Review status: criteria provided, single submitter. Criteria: Invitae Variant Classification Sherloc (09022015). Collection method: clinical testing. Allele origin: germline.
Comment: This sequence change replaces leucine, which is neutral and non-polar, with proline, which is neutral and non-polar, at codon 33 of the CYP7B1 protein (p.Leu33Pro). This variant is not present in population databases (gnomAD no frequency). This variant has not been reported in the literature in individuals affected with CYP7B1-related conditions. Algorithms developed to predict the effect of missense changes on protein structure and function are either unavailable or do not agree on the potential impact of this missense change (SIFT: "Deleterious"; PolyPhen-2: "Benign"; Align-GVGD: "Class C0"). In summary, the available evidence is currently insufficient to determine the role of this variant in disease. Therefore, it has been classified as a Variant of Uncertain Significance.